The following is an entry in ClinVar:

ClinVar aggregate classification (germline): Conflicting classifications of pathogenicity. Review status: criteria provided, conflicting classifications (1 of 4 stars). 6 submissions from 6 submitters: Uncertain significance (4); Likely benign (2). Last evaluated 2026-04-07.

Conditions:
Tuberous sclerosis 2 (TSC2). Identifiers: Orphanet 805, MedGen C1860707, MONDO:0013199, OMIM 613254.
TSC2-related disorder. Also called: TSC2-Related Disorders; TSC2-related condition.
Hereditary cancer-predisposing syndrome. Also called: Hereditary Cancer Syndrome; Neoplastic Syndromes, Hereditary; Tumor predisposition; Hereditary neoplastic syndrome. Identifiers: Orphanet 140162, MedGen C0027672, MeSH D009386, MONDO:0015356.
Tuberous sclerosis syndrome (TSC). Also called: Tuberous Sclerosis Complex; Tuberous sclerosis. Identifiers: Orphanet 805, MedGen C0041341, MONDO:0001734.

Allele frequency attached by ClinVar (database versions not stated): TOPMed below 0.00001; gnomAD exomes 0.00001.
gnomAD v4.1: 15 of 1,613,604 alleles (0.00093%); highest among the groups gnomAD compares: Non-Finnish European, 0.0013%; no homozygotes.

Submissions (6):

PreventionGenetics, part of Exact Sciences
Classification: Uncertain significance for TSC2-related condition. Last evaluated: 2026-04-07. Review status: criteria provided, single submitter. Criteria: ACMG Guidelines, 2015. Collection method: clinical testing. Allele origin: germline.
Comment: The TSC2 c.2312C>T variant is predicted to result in the amino acid substitution p.Thr771Ile. To our knowledge, this variant has not been reported in the literature. This variant is reported in 0.00088% of alleles in individuals of European (Non-Finnish) descent in gnomAD, which may be too common to be causative. This variant has conflicting interpretations in ClinVar, ranging from uncertain to likely benign (Variation ID: 318320). Although we suspect that this variant may be benign, at this time, the clinical significance of this variant is uncertain due to the absence of conclusive functional and genetic evidence.

Labcorp Genetics (formerly Invitae), Labcorp
Classification: Likely benign for Tuberous sclerosis 2. Last evaluated: 2025-12-10. Review status: criteria provided, single submitter. Criteria: Invitae Variant Classification Sherloc (09022015). Collection method: clinical testing. Allele origin: germline.

Ambry Genetics
Classification: Uncertain significance for Hereditary cancer-predisposing syndrome. Last evaluated: 2024-08-19. Review status: criteria provided, single submitter. Criteria: Ambry Variant Classification Scheme 2023. Collection method: clinical testing. Allele origin: germline.
Comment: The p.T771I variant (also known as c.2312C>T), located in coding exon 20 of the TSC2 gene, results from a C to T substitution at nucleotide position 2312. The threonine at codon 771 is replaced by isoleucine, an amino acid with similar properties. This amino acid position is conserved. In addition, this alteration is predicted to be deleterious by in silico analysis. Based on the available evidence, the clinical significance of this variant remains unclear.

All of Us Research Program, National Institutes of Health
Classification: Uncertain significance for Tuberous sclerosis syndrome. Last evaluated: 2023-11-02. Review status: criteria provided, single submitter. Criteria: ACMG Guidelines, 2015. Collection method: clinical testing. Allele origin: germline. Inheritance: Autosomal dominant inheritance. Observed: 1 variant allele, 1 heterozygote.
Comment: This missense variant replaces threonine with isoleucine at codon 771 of the TSC2 protein. Computational prediction is inconclusive regarding the impact of this variant on protein structure and function (internally defined REVEL score threshold 0.5 < inconclusive < 0.7, PMID: 27666373). To our knowledge, functional studies have not been reported for this variant. This variant has not been reported in individuals affected with TSC2-related disorders in the literature. This variant has been identified in 2/251046 chromosomes in the general population by the Genome Aggregation Database (gnomAD). The available evidence is insufficient to determine the role of this variant in disease conclusively. Therefore, this variant is classified as a Variant of Uncertain Significance.

This study involves interpretation of variants in research participants for the purpose of population health screening. Participant phenotype was not available at the time of variant classification. Additional details can be found in publication PMID: 35346344, PMCID: PMC8962531

Genome-Nilou Lab
Classification: Likely benign for Tuberous sclerosis 2. Last evaluated: 2021-11-07. Review status: criteria provided, single submitter. Criteria: ACMG Guidelines, 2015. Collection method: clinical testing. Allele origin: germline. Affected: no.

Illumina Laboratory Services, Illumina
Classification: Uncertain significance for Tuberous sclerosis syndrome. Last evaluated: 2018-01-12. Review status: criteria provided, single submitter. Criteria: ICSL Variant Classification Criteria 13 December 2019. Collection method: clinical testing. Allele origin: germline.

NM_000548.5(TSC2):c.2312C>T (p.Thr771Ile)

Gene: TSC2 (TSC complex subunit 2; plus strand). Cytogenetic location: 16p13.3.
Variant type: single nucleotide variant.
Coding change: c.2312C>T on transcript NM_000548.5 (MANE Select); coding-DNA position 2312, C replaced by T.
Protein change: p.Thr771Ile; replaces threonine 771 with isoleucine.
Molecular consequence: missense variant.
Genome position (GRCh38, 1-based): chr16:2,072,940, C>T. VCF-style: chr16-2072940-C-T. GRCh37 (hg19) VCF-style: chr16-2122941-C-T.
Other names: c.2312C>T, p.Thr771Ile (NM_001077183.3, NM_001114382.3, NM_001363528.2 and 3 more transcripts); c.2201C>T, p.Thr734Ile (NM_001318827.2); c.2165C>T, p.Thr722Ile (NM_001318829.2); c.1712C>T, p.Thr571Ile (NM_001318831.2); c.2345C>T, p.Thr782Ile (NM_001318832.2); c.2312C>T (NM_000548.4); short protein forms T771I, T722I, T571I, T734I, T782I.
Identifiers: ClinVar variation 318320 (VCV000318320.22), dbSNP rs886051790, ClinGen allele CA10637328.
Genomic context (GRCh38, chr16:2,072,940, plus strand): 5'-GAGGCGCCCCAGAAGGCTTCTCCAGAACTGACTTGCACCTGGCCGTGGTTCCAGTGCTGA[C>T]AGCATTAATCTCTTACCATAACTACCTGGACAAAACCAAACAGGTAGGAGGTCAGAGCAG-3'
Protein context (NP_000539.2, residues 761-781): DLHLAVVPVL[Thr771Ile]ALISYHNYLD